The following is an entry in ClinVar:

ClinVar aggregate classification (germline): Uncertain significance (1 of 4 stars; one submission).

Conditions:
Long QT syndrome (LQTS). Identifiers: MedGen C0023976, MeSH D008133, MONDO:0002442. Disease mechanism: loss of function. Inheritance: Various modes of inheritance.

Submission:

Labcorp Genetics (formerly Invitae), Labcorp
Classification: Uncertain significance for Long QT syndrome. Last evaluated: 2022-04-13. Review status: criteria provided, single submitter. Criteria: Invitae Variant Classification Sherloc (09022015). Collection method: clinical testing. Allele origin: germline.
Comment: This variant has not been reported in the literature in individuals affected with KCNJ5-related conditions. This variant is not present in population databases (gnomAD no frequency). This sequence change creates a premature translational stop signal (p.Leu385Profs*7) in the KCNJ5 gene. While this is not anticipated to result in nonsense mediated decay, it is expected to disrupt the last 35 amino acid(s) of the KCNJ5 protein. In summary, the available evidence is currently insufficient to determine the role of this variant in disease. Therefore, it has been classified as a Variant of Uncertain Significance. Experimental studies and prediction algorithms are not available or were not evaluated, and the functional significance of this variant is currently unknown.

NM_000890.5(KCNJ5):c.1153dup (p.Leu385fs)

Gene: KCNJ5 (potassium inwardly rectifying channel subfamily J member 5; plus strand). Cytogenetic location: 11q24.3.
Variant type: Duplication.
Coding change: c.1153dup on transcript NM_000890.5 (MANE Select); coding-DNA position 1153, one base duplicated (C; older notation c.1153dupC).
Protein change: p.Leu385fs; shifts the reading frame from leucine 385.
Molecular consequence: frameshift variant.
Genome position (GRCh38, 1-based): chr11:128,916,624, C duplicated. VCF-style (leftmost placement, unchanged base first): chr11-128916623-A-AC. GRCh37 (hg19) VCF-style: chr11-128786518-A-AC.
Other names: c.1153dup, p.Leu385fs (NM_001354169.2); short protein forms L385fs.
Identifiers: ClinVar variation 1408104 (VCV001408104.6), dbSNP rs2136004085, ClinGen allele CA477704182.